The following is an entry in ClinVar:

ClinVar aggregate classification (germline): Likely benign. Review status: criteria provided, single submitter (1 of 4 stars). 2 submissions from 2 submitters: Likely benign (1). 1 of the submissions does not count toward it. Last evaluated 2024-01-24.

Conditions:
SMPD1-related disorder. Also called: SMPD1-related condition.
Niemann-Pick disease, type B. Also called: Chronic Visceral ASMD (Niemann-Pick Disease Type B; NPD-B). Identifiers: Orphanet 77293, MedGen C0268243, MONDO:0011871, OMIM 607616. Disease mechanism: loss of function.
Niemann-Pick disease, type A. Also called: Infantile Neurovisceral ASMD (Niemann-Pick Disease Type A; NPD-A); SPHINGOMYELIN LIPIDOSIS; SPHINGOMYELINASE DEFICIENCY. Identifiers: Orphanet 77292, MedGen C0268242, MONDO:0009756, OMIM 257200. Disease mechanism: loss of function.

Allele frequency attached by ClinVar (database versions not stated): ExAC 0.00001; gnomAD exomes 0.00001; TOPMed 0.00002.
gnomAD v4.1: 11 of 1,614,084 alleles (0.00068%); highest among the groups gnomAD compares: Admixed American, 0.005%; no homozygotes.

Submissions (2):

Labcorp Genetics (formerly Invitae), Labcorp
Classification: Likely benign for Niemann-Pick disease, type B; Niemann-Pick disease, type A. Last evaluated: 2024-01-24. Review status: criteria provided, single submitter. Criteria: Invitae Variant Classification Sherloc (09022015). Collection method: clinical testing. Allele origin: germline.

PreventionGenetics, part of Exact Sciences
Classification: Likely benign for SMPD1-related condition. Last evaluated: 2024-08-28. Review status: no assertion criteria provided. Collection method: clinical testing. Allele origin: germline. Not counted in ClinVar's aggregate classification.
Comment: This variant is classified as likely benign based on ACMG/AMP sequence variant interpretation guidelines (Richards et al. 2015 PMID: 25741868, with internal and published modifications).

NM_000543.5(SMPD1):c.1091+14G>A

Gene: SMPD1 (sphingomyelin phosphodiesterase 1; plus strand). Cytogenetic location: 11p15.4.
Variant type: single nucleotide variant.
Coding change: c.1091+14G>A on transcript NM_000543.5 (MANE Select); 14 bases into the intron after coding-DNA position 1091, G replaced by A.
Molecular consequence: intron variant. On other transcripts: synonymous variant (1), missense variant (1).
Genome position (GRCh38, 1-based): chr11:6,392,170, G>A. VCF-style: chr11-6392170-G-A. GRCh37 (hg19) VCF-style: chr11-6413400-G-A.
Other names: c.1105G>A (NM_001365135.1); c.144G>A, p.Pro48= (NM_001318088.2); c.1105G>A, p.Val369Met (NM_001365135.2); c.1091+14G>A (NM_001318087.2); c.1088+14G>A (NM_001007593.3); short protein forms V369M.
Identifiers: ClinVar variation 2924668 (VCV002924668.4), dbSNP rs753809177, ClinGen allele CA5852758.